The following is an entry in ClinVar:

ClinVar aggregate classification (germline): Benign (1 of 4 stars; one submission).

Submission:

ISCA site 4
Classification: Benign. Last evaluated: 2011-08-12. Review status: criteria provided, single submitter. Criteria: Kaminsky et al. (Genet Med. 2011). Collection method: clinical testing. Allele origin: unknown. Affected: yes. Observed: 1 variant allele.
Comment: Copy number variation identified through the course of routine clinical cytogenomic testing in postnatal populations. Clinical assertions have been curated as described in Kaminsky et al. 2011.

GRCh38/hg38 Xq28(chrX:156001591-156022206)x1

Genes: IL9R (interleukin 9 receptor; plus strand), WASIR1 (WASH and IL9R antisense RNA 1; minus strand). Cytogenetic location: Xq28.
Variant type: copy number loss.
Change: copy number 1 of chrX:156,001,591-156,022,206 (20.6 kb, GRCh38 coordinates, 1-based), cytogenetic band Xq28.
Identifiers: ClinVar variation 161053 (VCV000161053.1).